The following is an entry in ClinVar:

ClinVar aggregate classification (germline): Benign/Likely benign. Review status: criteria provided, multiple submitters, no conflicts (2 of 4 stars). 14 submissions from 14 submitters: Benign (10); Likely benign (1). 3 of the submissions do not count toward it. Last evaluated 2026-02-04.

Conditions:
Primary ciliary dyskinesia. Also called: Ciliary dyskinesia. Identifiers: Orphanet 244, MedGen C0008780, MONDO:0016575, HP:0012265.
Primary ciliary dyskinesia 3. Identifiers: Orphanet 244, MedGen C1837618, MONDO:0012085, OMIM 608644.

Allele frequency attached by ClinVar (database versions not stated): 1000 Genomes Project 30x 0.50312; 1000 Genomes Project 0.50359; gnomAD exomes 0.51839 and 0.53863; ExAC 0.51896; gnomAD 0.52876 and 0.53284; TOPMed 0.52953; ESP Exome Variant Server 0.53429.
gnomAD v4.1: 861,079 of 1,602,296 alleles (54%); highest among the groups gnomAD compares: Non-Finnish European, 55%; 233,685 homozygotes.

Submissions (14):

Labcorp Genetics (formerly Invitae), Labcorp
Classification: Benign for Primary ciliary dyskinesia. Last evaluated: 2026-02-04. Review status: criteria provided, single submitter. Criteria: Invitae Variant Classification Sherloc (09022015). Collection method: clinical testing. Allele origin: germline.

Blueprint Genetics
Classification: Likely benign. Last evaluated: 2024-11-26. Review status: criteria provided, single submitter. Criteria: ACMG Guidelines, 2015. Collection method: clinical testing. Allele origin: germline.

Mayo Clinic Laboratories, Mayo Clinic
Classification: Benign. Last evaluated: 2022-04-26. Review status: criteria provided, single submitter. Criteria: ACMG Guidelines, 2015. Collection method: clinical testing. Allele origin: germline. Observed: 167 variant alleles.

Genome-Nilou Lab
Classification: Benign for Primary ciliary dyskinesia 3. Last evaluated: 2021-07-30. Review status: criteria provided, single submitter. Criteria: ACMG Guidelines, 2015. Collection method: clinical testing. Allele origin: germline. Affected: no.

Pars Genome Lab
Classification: Benign for Primary ciliary dyskinesia 3. Last evaluated: 2021-06-15. Review status: criteria provided, single submitter. Criteria: ACMG Guidelines, 2015. Collection method: clinical testing. Allele origin: germline. Affected: no.

GeneDx
Classification: Benign. Last evaluated: 2018-11-10. Review status: criteria provided, single submitter. Criteria: GeneDx Variant Classification Process June 2021. Collection method: clinical testing. Allele origin: germline. Affected: yes.

Illumina Laboratory Services, Illumina
Classification: Benign for Primary ciliary dyskinesia 3. Last evaluated: 2018-01-13. Review status: criteria provided, single submitter. Criteria: ICSL Variant Classification Criteria 13 December 2019. Collection method: clinical testing. Allele origin: germline.
Comment: This variant was observed in the ICSL laboratory as part of a predisposition screen in an ostensibly healthy population. It had not been previously curated by ICSL or reported in the Human Gene Mutation Database (HGMD: prior to June 1st, 2018), and was therefore a candidate for classification through an automated scoring system. Utilizing variant allele frequency, disease prevalence and penetrance estimates, and inheritance mode, an automated score was calculated to assess if this variant is too frequent to cause the disease. Based on the score and internal cut-off values, a variant classified as benign is not then subjected to further curation. The score for this variant resulted in a classification of benign for this disease.

Ambry Genetics
Classification: Benign for Primary ciliary dyskinesia. Last evaluated: 2014-12-11. Review status: criteria provided, single submitter. Criteria: Ambry Variant Classification Scheme 2023. Collection method: clinical testing. Allele origin: germline.

Laboratory for Molecular Medicine, Mass General Brigham Personalized Medicine
Classification: Benign. Last evaluated: 2013-02-21. Review status: criteria provided, single submitter. Criteria: LMM Criteria. Collection method: clinical testing. Allele origin: germline. Observed: 82 variant alleles.
Comment: Ile4450Val in exon 77 of DNAH5: This variant is not expected to have clinical si gnificance because it has been identified in 49.5% (2183/4406) of African Americ an chromosomes from a broad population by the NHLBI Exome Sequencing Project (dbSNP rs3734110).

Breakthrough Genomics
Classification: Benign. Review status: criteria provided, single submitter. Criteria: ACMG Guidelines, 2015. Collection method: not provided. Allele origin: germline. Inheritance: Autosomal recessive inheritance. Affected: yes.

PreventionGenetics, part of Exact Sciences
Classification: Benign. Review status: criteria provided, single submitter. Criteria: ACMG Guidelines, 2015. Collection method: clinical testing. Allele origin: germline.

Natera, Inc.
Classification: Benign for Primary ciliary dyskinesia. Last evaluated: 2020-09-16. Review status: no assertion criteria provided. Collection method: clinical testing. Allele origin: germline. Not counted in ClinVar's aggregate classification.

Clinical Genetics DNA and cytogenetics Diagnostics Lab, Erasmus MC, Erasmus Medical Center
Classification: Benign. Review status: no assertion criteria provided. Collection method: clinical testing. Allele origin: germline. Affected: yes. Study: VKGL Data-share Consensus. Not counted in ClinVar's aggregate classification.

Diagnostic Laboratory, Department of Genetics, University Medical Center Groningen
Classification: Benign. Review status: no assertion criteria provided. Collection method: clinical testing. Allele origin: germline. Affected: yes. Study: VKGL Data-share Consensus. Not counted in ClinVar's aggregate classification.

NM_001369.3(DNAH5):c.13348A>G (p.Ile4450Val)

Gene: DNAH5 (dynein axonemal heavy chain 5; minus strand). Cytogenetic location: 5p15.2.
Variant type: single nucleotide variant.
Coding change: c.13348A>G on transcript NM_001369.3 (MANE Select); coding-DNA position 13348, A replaced by G.
Protein change: p.Ile4450Val; replaces isoleucine 4450 with valine.
Molecular consequence: missense variant.
Genome position (GRCh38, 1-based): chr5:13,701,427, T>C on the plus strand (A>G on the coding strand, the complement: DNAH5 is on the minus strand). VCF-style: chr5-13701427-T-C. GRCh37 (hg19) VCF-style: chr5-13701536-T-C.
Other names: short protein forms I4450V.
Identifiers: ClinVar variation 163132 (VCV000163132.44), dbSNP rs3734110, ClinGen allele CA175769.